The following is an entry in ClinVar:

ClinVar aggregate classification (germline): Conflicting classifications of pathogenicity. Review status: criteria provided, conflicting classifications (1 of 4 stars). 4 submissions from 4 submitters: Uncertain significance (1); Likely benign (2). 1 of the submissions does not count toward it. Last evaluated 2026-02-02.

Conditions:
COL18A1-related disorder. Also called: COL18A1-related condition; COL18A1-related disorders.

Submissions (4):

Labcorp Genetics (formerly Invitae), Labcorp
Classification: Likely benign. Last evaluated: 2026-02-02. Review status: criteria provided, single submitter. Criteria: Invitae Variant Classification Sherloc (09022015). Collection method: clinical testing. Allele origin: germline.

Blueprint Genetics
Classification: Likely benign. Last evaluated: 2024-11-22. Review status: criteria provided, single submitter. Criteria: ACMG Guidelines, 2015. Collection method: clinical testing. Allele origin: germline.

CeGaT Center for Human Genetics Tuebingen
Classification: Uncertain significance. Last evaluated: 2024-05-01. Review status: criteria provided, single submitter. Criteria: CeGaT Center For Human Genetics Tuebingen Variant Classification Criteria Version 2. Collection method: clinical testing. Allele origin: germline. Affected: yes. Observed: 1 variant allele.
Comment: COL18A1: PM4

PreventionGenetics, part of Exact Sciences
Classification: Likely benign for COL18A1-related condition. Last evaluated: 2023-07-11. Review status: no assertion criteria provided. Collection method: clinical testing. Allele origin: germline. Not counted in ClinVar's aggregate classification.
Comment: This variant is classified as likely benign based on ACMG/AMP sequence variant interpretation guidelines (Richards et al. 2015 PMID: 25741868, with internal and published modifications).

NM_001379500.1(COL18A1):c.3048GCCCCCTGG[3] (p.1011PPG[5])

Genes: COL18A1 (collagen type XVIII alpha 1 chain; plus strand), SLC19A1 (solute carrier family 19 member 1; minus strand). Cytogenetic location: 21q22.3.
Variant type: Microsatellite.
Coding change: c.3048GCCCCCTGG[3] on transcript NM_001379500.1 (MANE Select); three copies in a row of the 9-base unit GCCCCCTGG starting at c.3048; the reference has two copies in a row; one copy, 9 bases duplicated.
Protein change: p.1011PPG[5].
Molecular consequence: inframe insertion.
Genome position (GRCh38, 1-based): chr21:45,505,401-45,505,409, GCCCCCTGG duplicated; duplicating any 9 consecutive bases within chr21:45,505,384-45,505,409 gives the same sequence; the position shown is the placement nearest the transcript's 3' end. VCF-style (leftmost placement, unchanged base first): chr21-45505383-C-CCCCCCTGGG. GRCh37 (hg19) VCF-style: chr21-46925297-C-CCCCCCTGGG.
Other names: c.3579GCCCCCTGG[3], p.1188PPG[5] (NM_030582.4); c.4284GCCCCCTGG[3], p.1423PPG[5] (NM_130444.3); c.3588_3596dup9 (NM_030582.3).
Identifiers: ClinVar variation 1117421 (VCV001117421.30), dbSNP rs571597296, ClinGen allele CA10067651.